The following is an entry in ClinVar:

ClinVar aggregate classification (germline): Likely benign. Review status: criteria provided, multiple submitters, no conflicts (2 of 4 stars). 2 submissions from 2 submitters: Likely benign (2). Last evaluated 2025-12-21.

Conditions:
Cornelia de Lange syndrome 1 (CDLS1). Also called: Brachmann de Lange syndrome; NIPBL-Related Cornelia de Lange Syndrome; TYPUS DEGENERATIVUS AMSTELODAMENSIS. Identifiers: Orphanet 199, MedGen C4551851, MONDO:0007387, OMIM 122470.

Allele frequency attached by ClinVar (database versions not stated): gnomAD exomes 0.00001; ExAC 0.00003; gnomAD 0.00005; TOPMed 0.00009; ESP Exome Variant Server 0.00032.

Submissions (2):

Labcorp Genetics (formerly Invitae), Labcorp
Classification: Likely benign for Cornelia de Lange syndrome 1. Last evaluated: 2025-12-21. Review status: criteria provided, single submitter. Criteria: Invitae Variant Classification Sherloc (09022015). Collection method: clinical testing. Allele origin: germline.

Women's Health and Genetics/Laboratory Corporation of America, LabCorp
Classification: Likely benign. Last evaluated: 2024-02-29. Review status: criteria provided, single submitter. Criteria: LabCorp Variant Classification Summary - May 2015. Collection method: clinical testing. Allele origin: germline.
Comment: Variant summary: NIPBL c.5329-17delC alters a non-conserved nucleotide located at a position not widely known to affect splicing. Consensus agreement among computation tools predict no significant impact on normal splicing. However, these predictions have yet to be confirmed by functional studies. The variant allele was found at a frequency of 1.2e-05 in 250762 control chromosomes. The available data on variant occurrences in the general population are insufficient to allow any conclusion about variant significance. To our knowledge, no occurrence of c.5329-17delC in individuals affected with Cornelia De Lange Syndrome 1 and no experimental evidence demonstrating its impact on protein function have been reported. No submitters have cited clinical-significance assessments for this variant to ClinVar. Based on the evidence outlined above, the variant was classified as likely benign.

NM_133433.4(NIPBL):c.5329-17del

Gene: NIPBL (NIPBL cohesin loading factor; plus strand). Cytogenetic location: 5p13.2.
Variant type: Deletion.
Coding change: c.5329-17del on transcript NM_133433.4 (MANE Select); 17 bases into the intron before coding-DNA position 5329, one base deleted (C; older notation c.5329-17delC).
Molecular consequence: intron variant.
Genome position (GRCh38, 1-based): chr5:37,022,034, C deleted. VCF-style (leftmost placement, unchanged base first): chr5-37022033-TC-T. GRCh37 (hg19) VCF-style: chr5-37022135-TC-T.
Other names: c.5329-17del (NM_015384.5); c.5329-17delC (NM_133433.4).
Identifiers: ClinVar variation 3068818 (VCV003068818.4), dbSNP rs773593197, ClinGen allele CA3236757.
Genomic context (GRCh38, chr5:37,022,033, plus strand): 5'-TTTGCATGTTTTCATGCTATTTTTAATTAAATTTTATGTATTCTAAAATTTACAAAAATG[TC>T]AATGTTTGCTTGGCAGATCCTACGAGTTCTTGGTGAAAATGCAATTGCTGTTCGAACAAA-3'